The following is an entry in ClinVar:

ClinVar aggregate classification (germline): Pathogenic. Review status: criteria provided, single submitter (1 of 4 stars). 3 submissions from 3 submitters: Pathogenic (1). 2 of the submissions do not count toward it. Last evaluated 2024-06-17.

Conditions:
Regional enteritis. Also called: Enteritis, Granulomatous. Identifiers: MedGen C0678202, MeSH D003424.
Blau syndrome (BLAUS). Also called: GRANULOMATOSIS, FAMILIAL JUVENILE SYSTEMIC; GRANULOMATOSIS, FAMILIAL, BLAU TYPE; GRANULOMATOUS INFLAMMATORY ARTHRITIS, DERMATITIS, AND UVEITIS, FAMILIAL; JABS SYNDROME; ARTHROCUTANEOUVEAL GRANULOMATOSIS. Identifiers: Orphanet 90340, MedGen C5201146, MONDO:0008523, OMIM 186580.

Submissions (3):

Labcorp Genetics (formerly Invitae), Labcorp
Classification: Pathogenic for Regional enteritis; Blau syndrome. Last evaluated: 2024-06-17. Review status: criteria provided, single submitter. Criteria: Invitae Variant Classification Sherloc (09022015). Collection method: clinical testing. Allele origin: germline.
Comment: This sequence change replaces aspartic acid, which is acidic and polar, with glutamic acid, which is acidic and polar, at codon 382 of the NOD2 protein (p.Asp382Glu). This variant is not present in population databases (gnomAD no frequency). This missense change has been observed in individual(s) with clinical features of Blau syndrome (PMID: 15459013, 21596301, 24713464). In at least one individual the variant was observed to be de novo. ClinVar contains an entry for this variant (Variation ID: 4699). Advanced modeling of protein sequence and biophysical properties (such as structural, functional, and spatial information, amino acid conservation, physicochemical variation, residue mobility, and thermodynamic stability) performed at Invitae indicates that this missense variant is expected to disrupt NOD2 protein function with a positive predictive value of 80%. Experimental studies have shown that this missense change affects NOD2 function (PMID: 15459013). For these reasons, this variant has been classified as Pathogenic.

OMIM
Classification: Pathogenic for BLAU SYNDROME. Last evaluated: 2005-02-01. Review status: no assertion criteria provided. Collection method: literature only. Allele origin: germline. Not counted in ClinVar's aggregate classification.

Unité médicale des maladies autoinflammatoires, CHRU Montpellier
No classification provided. Condition: Sarcoidosis, early-onset. Review status: no classification provided. Collection method: not provided. Allele origin: unknown. Not counted in ClinVar's aggregate classification.
Comment: also involved in OMIM 186580 and 266600

Literature cited by the submitters: PubMed 15459013 (cited by Labcorp Genetics (formerly Invitae), Labcorp and OMIM); PubMed 21596301 (cited by Labcorp Genetics (formerly Invitae), Labcorp); PubMed 24713464 (cited by Labcorp Genetics (formerly Invitae), Labcorp); PubMed 7825454 (cited by OMIM); PubMed 11875755 (cited by OMIM); Hamosh, A. Personal Communication. 2017. Baltimore, Md. (cited by OMIM).

NM_001370466.1(NOD2):c.1065C>G (p.Asp355Glu)

Gene: NOD2 (nucleotide binding oligomerization domain containing 2; plus strand). Cytogenetic location: 16q12.1.
Variant type: single nucleotide variant.
Coding change: c.1065C>G on transcript NM_001370466.1 (MANE Select); coding-DNA position 1065, C replaced by G.
Protein change: p.Asp355Glu; replaces aspartic acid 355 with glutamic acid.
Molecular consequence: missense variant. On other transcripts: non-coding transcript variant (1).
Genome position (GRCh38, 1-based): chr16:50,711,057, C>G. VCF-style: chr16-50711057-C-G. GRCh37 (hg19) VCF-style: chr16-50744968-C-G.
Other names: c.1146C>G, p.Asp382Glu (LRG_177t1, NM_022162.3); c.1065C>G, p.Asp355Glu (NM_001293557.2); short protein forms D382E, D355E.
Identifiers: ClinVar variation 4699 (VCV000004699.5), dbSNP rs104895476, ClinGen allele CA117027.